The following is an entry in ClinVar:

ClinVar aggregate classification (germline): Uncertain significance (1 of 4 stars; one submission).

Conditions:
Myofibrillar myopathy 4. Also called: Zaspopathy (type). Identifiers: Orphanet 98912, MedGen C4721886, MONDO:0012277, OMIM 609452.

gnomAD v4.1: 1 of 1,613,840 alleles (0.000062%); highest among the groups gnomAD compares: Non-Finnish European, 0.000085%; no homozygotes.

Submission:

Labcorp Genetics (formerly Invitae), Labcorp
Classification: Uncertain significance for Myofibrillar myopathy 4. Last evaluated: 2024-05-22. Review status: criteria provided, single submitter. Criteria: Invitae Variant Classification Sherloc (09022015). Collection method: clinical testing. Allele origin: germline.
Comment: The LDB3 gene has multiple clinically relevant transcripts. This variant occurs in alternate transcript NM_007078.3, and corresponds to NM_001080116.1:c.*17233G>A in the primary transcript. This sequence change affects codon 504 of the LDB3 mRNA. It is a 'silent' change, meaning that it does not change the encoded amino acid sequence of the LDB3 protein. This variant is not present in population databases (gnomAD no frequency). This variant has not been reported in the literature in individuals affected with LDB3-related conditions. In summary, the available evidence is currently insufficient to determine the role of this variant in disease. Therefore, it has been classified as a Variant of Uncertain Significance.

NM_007078.3(LDB3):c.1512G>A (p.Lys504=)

Gene: LDB3 (LIM domain binding 3; plus strand). Cytogenetic location: 10q23.2.
Variant type: single nucleotide variant.
Coding change: c.1512G>A on transcript NM_007078.3 (MANE Select); coding-DNA position 1512, G replaced by A.
Protein change: p.Lys504=; no amino-acid change (lysine 504 retained).
Molecular consequence: synonymous variant.
Genome position (GRCh38, 1-based): chr10:86,716,607, G>A. VCF-style: chr10-86716607-G-A. GRCh37 (hg19) VCF-style: chr10-88476364-G-A.
Other names: c.1182G>A, p.Lys394= (NM_001080114.2); c.1527G>A, p.Lys509= (NM_001171610.2); c.1323G>A, p.Lys441= (NM_001368064.1, NM_001368065.1); c.1371G>A, p.Lys457= (NM_001368066.1).
Identifiers: ClinVar variation 3679233 (VCV003679233.2).